The following is an entry in ClinVar:

NM_005429.5(VEGFC):c.479A>G (p.Tyr160Cys)

Gene: VEGFC (vascular endothelial growth factor C; minus strand). Cytogenetic location: 4q34.3.
Variant type: single nucleotide variant.
Coding change: c.479A>G on transcript NM_005429.5 (MANE Select); coding-DNA position 479, A replaced by G.
Protein change: p.Tyr160Cys; replaces tyrosine 160 with cysteine.
Molecular consequence: missense variant.
Genome position (GRCh38, 1-based): chr4:176,727,851, T>C on the plus strand (A>G on the coding strand, the complement: VEGFC is on the minus strand). VCF-style: chr4-176727851-T-C. GRCh37 (hg19) VCF-style: chr4-177649005-T-C.
Other names: short protein forms Y160C.
Identifiers: ClinVar variation 4279740 (VCV004279740.1).

ClinVar aggregate classification (germline): Uncertain significance (1 of 4 stars; one submission).

Conditions:
Lymphatic malformation 4 (LMPHM4). Also called: Lymphedema, hereditary, ID. Identifiers: Orphanet 79452, MedGen C4747769, MONDO:0014393, OMIM 615907.

gnomAD v4.1: 9 of 1,613,892 alleles (0.00056%); highest among the groups gnomAD compares: Admixed American, 0.0017%; no homozygotes.

Submission:

Clinical Genomics Laboratory, Washington University in St. Louis
Classification: Uncertain significance for Lymphatic malformation 4. Last evaluated: 2025-04-02. Review status: criteria provided, single submitter. Criteria: ACMG Guidelines, 2015. Collection method: clinical testing. Allele origin: germline.
Comment: A VEGFC c.479A>G (p.Tyr160Cys) was identified at a heterozygous allelic fraction of 50.8%, a frequency that may be consistent with germline origin. This variant, to our knowledge, has not been reported in the medical literature. It is only observed on 9/1,613,892 alleles in the general population (gnomAD v.4.1.0), indicating it is not a common variant. Computational predictors are uncertain as to the impact of this variant on VEGFC function. Due to limited information, and based on ACMG/AMP guidelines for variant interpretation (Richards S et al., PMID: 25741868), the clinical significance of this variant is uncertain at this time.